The following is an entry in ClinVar:

ClinVar aggregate classification (germline): Likely benign. Review status: reviewed by expert panel (3 of 4 stars). 5 submissions from 5 submitters: Likely benign (1). 4 of the submissions do not count toward it. Last evaluated 2019-08-02.

Conditions:
Hereditary cancer-predisposing syndrome. Also called: Neoplastic Syndromes, Hereditary; Tumor predisposition; Hereditary neoplastic syndrome; Hereditary Cancer Syndrome. Identifiers: Orphanet 140162, MedGen C0027672, MeSH D009386, MONDO:0015356.
Inborn genetic diseases. Identifiers: MedGen C0950123, MeSH D030342.
RUNX1-related disorder. Also called: RUNX1-related condition.
Hereditary thrombocytopenia and hematological cancer predisposition syndrome associated with RUNX1. Also called: PLATELET DISORDER, ASPIRIN-LIKE; Familial Platelet Disorder with Propensity to Acute Myelogenous Leukemia; Familial thrombocytopenia with propensity to acute myelogenous leukemia; RUNX1 Familial Platelet Disorder with Associated Myeloid Malignancies. Identifiers: Orphanet 71290, MedGen C1832388, MeSH C563324, MONDO:0100083, OMIM 601399.

Allele frequency attached by ClinVar (database versions not stated): gnomAD 0.00005; gnomAD exomes 0.00006 and 0.00016; TOPMed 0.00007; ExAC 0.00014.
gnomAD v4.1: 103 of 1,613,832 alleles (0.0064%); highest among the groups gnomAD compares: Non-Finnish European, 0.00085%; 1 homozygote.

Submissions (5):

ClinGen Myeloid Malignancy Variant Curation Expert Panel
Classification: Likely benign for Familial platelet disorder with associated myeloid malignancy. Last evaluated: 2019-08-02. Review status: reviewed by expert panel. Criteria: ClinGen MyeloMalig ACMG Specifications v1. Collection method: curation. Allele origin: germline. Inheritance: Autosomal dominant inheritance.
Comment: MAF for NM_001754.4:c.18A>G (p.Ile6Met) variant is 0.00025 (0.02%, 17/66732 Alleles) in the non-Finnish European subpopulation of ExAC database, which is between 0.00015 (0.015%) and 0.0015 (0.15%) (BS1). Note: The variant is classified as likely benign based on BS1 alone with no contradictory evidence supporting pathogenicity. In summary, this variant meets criteria to be classified as likely benign. ACMG/AMP criteria applied, as specified by the Myeloid Malignancy Variant Curation Expert Panel for RUNX1: BS1.

Labcorp Genetics (formerly Invitae), Labcorp
Classification: Benign for Hereditary thrombocytopenia and hematological cancer predisposition syndrome associated with RUNX1. Last evaluated: 2025-11-06. Review status: criteria provided, single submitter. Criteria: Invitae Variant Classification Sherloc (09022015). Collection method: clinical testing. Allele origin: germline. Not counted in ClinVar's aggregate classification.

Ambry Genetics
Classification: Uncertain significance for Inborn genetic diseases. Last evaluated: 2024-12-07. Review status: criteria provided, single submitter. Criteria: Ambry Variant Classification Scheme 2023. Collection method: clinical testing. Allele origin: germline. Not counted in ClinVar's aggregate classification.
Comment: The p.I6M variant (also known as c.18A>G), located in coding exon 1 of the RUNX1 gene, results from an A to G substitution at nucleotide position 18. The isoleucine at codon 6 is replaced by methionine, an amino acid with highly similar properties. This amino acid position is not well conserved in available vertebrate species. In addition, the in silico prediction for this alteration is inconclusive. Based on the available evidence, the clinical significance of this variant remains unclear.

Sema4
Classification: Benign for Hereditary cancer-predisposing syndrome. Last evaluated: 2020-08-06. Review status: criteria provided, single submitter. Criteria: Sema4 Curation Guidelines. Collection method: curation. Allele origin: germline. Not counted in ClinVar's aggregate classification.

PreventionGenetics, part of Exact Sciences
Classification: Likely benign for RUNX1-related condition. Last evaluated: 2020-07-25. Review status: no assertion criteria provided. Collection method: clinical testing. Allele origin: germline. Not counted in ClinVar's aggregate classification.
Comment: This variant is classified as likely benign based on ACMG/AMP sequence variant interpretation guidelines (Richards et al. 2015 PMID: 25741868, with internal and published modifications).

NM_001754.5(RUNX1):c.18A>G (p.Ile6Met)

Gene: RUNX1 (RUNX family transcription factor 1; minus strand). Cytogenetic location: 21q22.12.
Variant type: single nucleotide variant.
Coding change: c.18A>G on transcript NM_001754.5 (MANE Select); coding-DNA position 18, A replaced by G.
Protein change: p.Ile6Met; replaces isoleucine 6 with methionine.
Molecular consequence: missense variant.
Genome position (GRCh38, 1-based): chr21:35,048,882, T>C on the plus strand (A>G on the coding strand, the complement: RUNX1 is on the minus strand). VCF-style: chr21-35048882-T-C. GRCh37 (hg19) VCF-style: chr21-36421179-T-C.
Other names: NM_001754.4(RUNX1):c.18A>G; short protein forms I6M.
Identifiers: ClinVar variation 463989 (VCV000463989.17), dbSNP rs199929612, ClinGen allele CA10014733.